The following is an entry in ClinVar:

NM_001395413.1(POR):c.1959G>T (p.Met653Ile)

Gene: POR (cytochrome p450 oxidoreductase; plus strand). Cytogenetic location: 7q11.23.
Variant type: single nucleotide variant.
Coding change: c.1959G>T on transcript NM_001395413.1 (MANE Select); coding-DNA position 1959, G replaced by T.
Protein change: p.Met653Ile; replaces methionine 653 with isoleucine.
Molecular consequence: missense variant.
Genome position (GRCh38, 1-based): chr7:75,986,406, G>T. VCF-style: chr7-75986406-G-T. GRCh37 (hg19) VCF-style: chr7-75615724-G-T.
Other names: c.1959G>T, p.Met653Ile (NM_001367562.3, NM_001382657.2, NM_001382658.3 and 1 more transcripts); c.2013G>T, p.Met671Ile (NM_001382655.3); c.1809G>T, p.Met603Ile (NM_001382662.3); short protein forms M603I, M653I, M671I.
Identifiers: ClinVar variation 1370415 (VCV001370415.3), dbSNP rs377283521, ClinGen allele CA160910400.

ClinVar aggregate classification (germline): Uncertain significance (1 of 4 stars; one submission).

Conditions:
Congenital adrenal hyperplasia due to cytochrome P450 oxidoreductase deficiency. Also called: DISORDERED STEROIDOGENESIS DUE TO POR DEFICIENCY. Identifiers: Orphanet 95699, MedGen C1860042, MONDO:0013310, OMIM 613571.

Allele frequency attached by ClinVar (database versions not stated): gnomAD 0.00001 and 0.00002; TOPMed 0.00002.
gnomAD v4.1: 27 of 1,612,602 alleles (0.0017%); highest among the groups gnomAD compares: African/African-American, 0.012%; no homozygotes.

Submission:

Labcorp Genetics (formerly Invitae), Labcorp
Classification: Uncertain significance for Congenital adrenal hyperplasia due to cytochrome P450 oxidoreductase deficiency. Last evaluated: 2022-09-27. Review status: criteria provided, single submitter. Criteria: Invitae Variant Classification Sherloc (09022015). Collection method: clinical testing. Allele origin: germline.
Comment: This sequence change replaces methionine, which is neutral and non-polar, with isoleucine, which is neutral and non-polar, at codon 656 of the POR protein (p.Met656Ile). This variant is not present in population databases (gnomAD no frequency). This variant has not been reported in the literature in individuals affected with POR-related conditions. ClinVar contains an entry for this variant (Variation ID: 1370415). Advanced modeling of protein sequence and biophysical properties (such as structural, functional, and spatial information, amino acid conservation, physicochemical variation, residue mobility, and thermodynamic stability) performed at Invitae indicates that this missense variant is not expected to disrupt POR protein function. In summary, the available evidence is currently insufficient to determine the role of this variant in disease. Therefore, it has been classified as a Variant of Uncertain Significance.